The following is an entry in ClinVar:

NM_001005373.4(LRSAM1):c.2062C>A (p.Leu688Ile)

Gene: LRSAM1 (leucine rich repeat and sterile alpha motif containing 1; plus strand). Cytogenetic location: 9q34.11.
Variant type: single nucleotide variant.
Coding change: c.2062C>A on transcript NM_001005373.4 (MANE Select); coding-DNA position 2062, C replaced by A.
Protein change: p.Leu688Ile; replaces leucine 688 with isoleucine.
Molecular consequence: missense variant. On other transcripts: non-coding transcript variant (2).
Genome position (GRCh38, 1-based): chr9:127,502,789, C>A. VCF-style: chr9-127502789-C-A. GRCh37 (hg19) VCF-style: chr9-130265068-C-A.
Other names: c.2062C>A, p.Leu688Ile (NM_001005374.4, NM_001384142.1, NM_138361.5); c.1981C>A, p.Leu661Ile (NM_001190723.3); c.1963C>A, p.Leu655Ile (NM_001384143.1); c.1273C>A, p.Leu425Ile (NM_001384144.1); c.2062C>A (NM_138361.4); short protein forms L688I, L661I, L425I, L655I.
Identifiers: ClinVar variation 408268 (VCV000408268.14), dbSNP rs765956865, ClinGen allele CA5247257.

ClinVar aggregate classification (germline): Conflicting classifications of pathogenicity. Review status: criteria provided, conflicting classifications (1 of 4 stars). 3 submissions from 3 submitters: Uncertain significance (1); Likely benign (2). Last evaluated 2025-07-03.

Conditions:
LRSAM1-related disorder. Also called: LRSAM1-related condition.
Inborn genetic diseases. Identifiers: MedGen C0950123, MeSH D030342.
Charcot-Marie-Tooth disease axonal type 2P. Also called: CHARCOT-MARIE-TOOTH NEUROPATHY, TYPE 2P; Charcot-Marie-Tooth Neuropathy Type 2G; CHARCOT-MARIE-TOOTH DISEASE, AXONAL, TYPE 2G; CMT 2G. Identifiers: Orphanet 300319, Orphanet 99941, MedGen C3280797, MONDO:0013753, OMIM 614436.

Allele frequency attached by ClinVar (database versions not stated): gnomAD 0.00003; TOPMed 0.00008; gnomAD exomes 0.00012 and 0.00023; ExAC 0.00018.
gnomAD v4.1: 76 of 1,612,744 alleles (0.0047%); highest among the groups gnomAD compares: Admixed American, 0.13%; no homozygotes.

Submissions (3):

Labcorp Genetics (formerly Invitae), Labcorp
Classification: Likely benign for Charcot-Marie-Tooth disease axonal type 2P. Last evaluated: 2025-07-03. Review status: criteria provided, single submitter. Criteria: Invitae Variant Classification Sherloc (09022015). Collection method: clinical testing. Allele origin: germline.

PreventionGenetics, part of Exact Sciences
Classification: Likely benign for LRSAM1-related condition. Last evaluated: 2025-06-26. Review status: criteria provided, single submitter. Criteria: ACMG Guidelines, 2015. Collection method: clinical testing. Allele origin: germline.
Comment: This variant is classified as likely benign based on ACMG/AMP sequence variant interpretation guidelines (Richards et al. 2015 PMID: 25741868, with internal and published modifications).

Ambry Genetics
Classification: Uncertain significance for Inborn genetic diseases. Last evaluated: 2020-02-14. Review status: criteria provided, single submitter. Criteria: Ambry Variant Classification Scheme 2023. Collection method: clinical testing. Allele origin: germline.
Comment: The p.L688I variant (also known as c.2062C>A), located in coding exon 24 of the LRSAM1 gene, results from a C to A substitution at nucleotide position 2062. The leucine at codon 688 is replaced by isoleucine, an amino acid with highly similar properties. This amino acid position is highly conserved in available vertebrate species. In addition, this alteration is predicted to be tolerated by in silico analysis. Based on population data from Genome Aggregation Consortium (gnomAD), the p.L688I variant has an overall frequency of 0.02116% (59/278788 total alleles studied) without any homozygous individuals observed. The highest observed sub-population frequency was 0.1616% (57/35264 total alleles studied) in the Latino cochort. Therefore, this variant is considered to be likely benign for dominantly inherited LRSAM1-related neuropathy but is still rare enough to potentially be disease causing for recessively inherited LRSAM1-related neuropathy. Since supporting evidence for recessive neuropathy is limited at this time, the clinical significance of this alteration remains unclear.